The following is an entry in ClinVar:

ClinVar aggregate classification (germline): Uncertain significance. Review status: criteria provided, multiple submitters, no conflicts (2 of 4 stars). 5 submissions from 4 submitters: Uncertain significance (5). Last evaluated 2025-02-21.

Conditions:
FGA-related disorder. Also called: FGA-related disorders; FGA-related condition.
Congenital afibrinogenemia. Identifiers: Orphanet 335, Orphanet 98880, MedGen C2584774, MONDO:0008737, OMIM 202400.
Familial visceral amyloidosis, Ostertag type (AMYLD2). Also called: AMYLOIDOSIS VIII; Ostertag type amyloidosis; Hereditary Renal Amyloidosis; AMYLOIDOSIS, HEREDITARY SYSTEMIC 2; Familial visceral amyloidosis; Amyloidosis, hepatic and systemic. Identifiers: Orphanet 85450, MedGen C0268389, MONDO:0007099, OMIM 105200.
Familial dysfibrinogenemia. Also called: Dysfibrinogenemia, congenital. Identifiers: Orphanet 335, Orphanet 98881, MedGen C0272350, MONDO:0014452, OMIM 616004.
Inborn genetic diseases. Identifiers: MedGen C0950123, MeSH D030342.

Allele frequency attached by ClinVar (database versions not stated): gnomAD exomes below 0.00001; gnomAD 0.00001; TOPMed 0.00002.
gnomAD v4.1: 8 of 1,610,260 alleles (0.0005%); highest among the groups gnomAD compares: Middle Eastern, 0.02%; no homozygotes.

Submissions (5):

PreventionGenetics, part of Exact Sciences
Classification: Uncertain significance for FGA-related condition. Last evaluated: 2025-02-21. Review status: criteria provided, single submitter. Criteria: ACMG Guidelines, 2015. Collection method: clinical testing. Allele origin: germline.
Comment: The FGA c.346G>A variant is predicted to result in the amino acid substitution p.Asp116Asn. To our knowledge, this variant has not been reported in the literature. This variant is reported in 0.0033% of alleles in individuals of South Asian descent in gnomAD. At this time, the clinical significance of this variant is uncertain due to the absence of conclusive functional and genetic evidence.

Fulgent Genetics
Classification: Uncertain significance for Familial visceral amyloidosis, Ostertag type; Congenital afibrinogenemia; Familial dysfibrinogenemia. Last evaluated: 2022-04-13. Review status: criteria provided, single submitter. Criteria: ACMG Guidelines, 2015. Collection method: clinical testing. Allele origin: unknown.

Ambry Genetics
Classification: Uncertain significance for Inborn genetic diseases. Last evaluated: 2021-09-16. Review status: criteria provided, single submitter. Criteria: Ambry Variant Classification Scheme 2023. Collection method: clinical testing. Allele origin: germline.

Illumina Laboratory Services, Illumina
Classification: Uncertain significance for Congenital afibrinogenemia. Last evaluated: 2018-01-13. Review status: criteria provided, single submitter. Criteria: ICSL Variant Classification Criteria 13 December 2019. Collection method: clinical testing. Allele origin: germline.

Illumina Laboratory Services, Illumina
Classification: Uncertain significance for Familial visceral amyloidosis, Ostertag type. Last evaluated: 2018-01-13. Review status: criteria provided, single submitter. Criteria: ICSL Variant Classification Criteria 13 December 2019. Collection method: clinical testing. Allele origin: germline.

NM_021871.4(FGA):c.346G>A (p.Asp116Asn)

Gene: FGA (fibrinogen alpha chain; minus strand). Cytogenetic location: 4q31.3.
Variant type: single nucleotide variant.
Coding change: c.346G>A on transcript NM_021871.4 (MANE Select); coding-DNA position 346, G replaced by A.
Protein change: p.Asp116Asn; replaces aspartic acid 116 with asparagine.
Molecular consequence: missense variant.
Genome position (GRCh38, 1-based): chr4:154,588,811, C>T on the plus strand (G>A on the coding strand, the complement: FGA is on the minus strand). VCF-style: chr4-154588811-C-T. GRCh37 (hg19) VCF-style: chr4-155509963-C-T.
Other names: c.346G>A (LRG_557t2, NM_000508.4); c.346G>A, p.Asp116Asn (NM_000508.5); short protein forms D116N.
Identifiers: ClinVar variation 347821 (VCV000347821.9), dbSNP rs886059153, ClinGen allele CA10620260.